The following is an entry in ClinVar:

ClinVar aggregate classification (germline): Uncertain significance (1 of 4 stars; one submission).

gnomAD v4.1: 1 of 1,613,676 alleles (0.000062%); highest among the groups gnomAD compares: Admixed American, 0.0017%; no homozygotes.

Submission:

Labcorp Genetics (formerly Invitae), Labcorp
Classification: Uncertain significance. Last evaluated: 2025-10-01. Review status: criteria provided, single submitter. Criteria: Invitae Variant Classification Sherloc (09022015). Collection method: clinical testing. Allele origin: germline.
Comment: This sequence change replaces asparagine, which is neutral and polar, with isoleucine, which is neutral and non-polar, at codon 651 of the PDE6A protein (p.Asn651Ile). This variant is present in population databases (rs149380104, gnomAD 0.006%). This variant has not been reported in the literature in individuals affected with PDE6A-related conditions. ClinVar contains an entry for this variant (Variation ID: 1487755). Invitae Evidence Modeling of protein sequence and biophysical properties (such as structural, functional, and spatial information, amino acid conservation, physicochemical variation, residue mobility, and thermodynamic stability) has been performed for this missense variant. However, the output from this modeling did not meet the statistical confidence thresholds required to predict the impact of this variant on PDE6A protein function. In summary, the available evidence is currently insufficient to determine the role of this variant in disease. Therefore, it has been classified as a Variant of Uncertain Significance.

NM_000440.3(PDE6A):c.1952A>T (p.Asn651Ile)

Gene: PDE6A (phosphodiesterase 6A; minus strand). Cytogenetic location: 5q32.
Variant type: single nucleotide variant.
Coding change: c.1952A>T on transcript NM_000440.3 (MANE Select); coding-DNA position 1952, A replaced by T.
Protein change: p.Asn651Ile; replaces asparagine 651 with isoleucine.
Molecular consequence: missense variant.
Genome position (GRCh38, 1-based): chr5:149,884,554, T>A on the plus strand (A>T on the coding strand, the complement: PDE6A is on the minus strand). VCF-style: chr5-149884554-T-A. GRCh37 (hg19) VCF-style: chr5-149264117-T-A.
Other names: short protein forms N651I.
Identifiers: ClinVar variation 1487755 (VCV001487755.6), dbSNP rs149380104, ClinGen allele CA3504457.